The following is an entry in ClinVar:

NM_001159699.2(FHL1):c.347A>G (p.Lys116Arg)

Gene: FHL1 (four and a half LIM domains 1; plus strand). Cytogenetic location: Xq26.3.
Variant type: single nucleotide variant.
Coding change: c.347A>G on transcript NM_001159699.2 (MANE Select); coding-DNA position 347, A replaced by G.
Protein change: p.Lys116Arg; replaces lysine 116 with arginine.
Molecular consequence: missense variant. On other transcripts: non-coding transcript variant (1).
Genome position (GRCh38, 1-based): chrX:136,207,158, A>G. VCF-style: chrX-136207158-A-G. GRCh37 (hg19) VCF-style: chrX-135289317-A-G.
Other names: c.299A>G, p.Lys100Arg (NM_001159700.2, NM_001159702.3, NM_001159703.2 and 9 more transcripts); c.386A>G, p.Lys129Arg (NM_001159701.2); c.347A>G, p.Lys116Arg (NM_001330659.2); short protein forms K100R, K116R, K129R.
Identifiers: ClinVar variation 3711676 (VCV003711676.2).

ClinVar aggregate classification (germline): Uncertain significance (1 of 4 stars; one submission).

Conditions:
X-linked myopathy with postural muscle atrophy. Also called: FHL1-Related Emery-Dreifuss Muscular Dystrophy, X-Linked. Identifiers: Orphanet 178461, MedGen C2678055, MONDO:0010401, OMIM 300696.

Submission:

Labcorp Genetics (formerly Invitae), Labcorp
Classification: Uncertain significance for X-linked myopathy with postural muscle atrophy. Last evaluated: 2024-06-13. Review status: criteria provided, single submitter. Criteria: Invitae Variant Classification Sherloc (09022015). Collection method: clinical testing. Allele origin: germline.
Comment: This sequence change replaces lysine, which is basic and polar, with arginine, which is basic and polar, at codon 100 of the FHL1 protein (p.Lys100Arg). This variant is not present in population databases (gnomAD no frequency). This variant has not been reported in the literature in individuals affected with FHL1-related conditions. Algorithms developed to predict the effect of missense changes on protein structure and function output the following: SIFT: "Not Available"; PolyPhen-2: "Benign"; Align-GVGD: "Not Available". The arginine amino acid residue is found in multiple mammalian species, which suggests that this missense change does not adversely affect protein function. In summary, the available evidence is currently insufficient to determine the role of this variant in disease. Therefore, it has been classified as a Variant of Uncertain Significance.